The following is an entry in ClinVar:

ClinVar aggregate classification (germline): Uncertain significance (1 of 4 stars; one submission).

Conditions:
Inborn genetic diseases. Identifiers: MedGen C0950123, MeSH D030342.

Submission:

Ambry Genetics
Classification: Uncertain significance for Inborn genetic diseases. Last evaluated: 2023-03-26. Review status: criteria provided, single submitter. Criteria: Ambry Variant Classification Scheme 2023. Collection method: clinical testing. Allele origin: germline.
Comment: The p.T2241A variant (also known as c.6721A>G), located in coding exon 40 of the ATR gene, results from an A to G substitution at nucleotide position 6721. The threonine at codon 2241 is replaced by alanine, an amino acid with similar properties. This amino acid position is conserved. In addition, this alteration is predicted to be tolerated by in silico analysis. Since supporting evidence is limited at this time, the clinical significance of this alteration remains unclear.

NM_001184.4(ATR):c.6721A>G (p.Thr2241Ala)

Gene: ATR (ATR checkpoint kinase; minus strand). Cytogenetic location: 3q23.
Variant type: single nucleotide variant.
Coding change: c.6721A>G on transcript NM_001184.4 (MANE Select); coding-DNA position 6721, A replaced by G.
Protein change: p.Thr2241Ala; replaces threonine 2241 with alanine.
Molecular consequence: missense variant.
Genome position (GRCh38, 1-based): chr3:142,466,500, T>C on the plus strand (A>G on the coding strand, the complement: ATR is on the minus strand). VCF-style: chr3-142466500-T-C. GRCh37 (hg19) VCF-style: chr3-142185342-T-C.
Other names: c.6529A>G, p.Thr2177Ala (NM_001354579.2); short protein forms T2177A, T2241A.
Identifiers: ClinVar variation 2561347 (VCV002561347.2), dbSNP rs2473060641, ClinGen allele CA354802180.